The following is an entry in ClinVar:

ClinVar aggregate classification (germline): Conflicting classifications of pathogenicity. Review status: criteria provided, conflicting classifications (1 of 4 stars). 5 submissions from 5 submitters: Uncertain significance (3); Likely benign (2). Last evaluated 2025-10-12.

Conditions:
WDR19-related disorder. Also called: WDR19-related condition; WDR19-related disorders. Identifiers: MedGen CN380161.
Connective tissue disorder. Also called: Connective tissue disease. Identifiers: MedGen C0009782, MONDO:0003900.
Senior-Loken syndrome 8 (SLSN8). Identifiers: Orphanet 3156, MedGen C4225376, MONDO:0014579, OMIM 616307.
Asphyxiating thoracic dystrophy 5 (SRTD5). Also called: SHORT-RIB THORACIC DYSPLASIA 5 WITH OR WITHOUT POLYDACTYLY; SHORT-RIB THORACIC DYSPLASIA 5 WITHOUT POLYDACTYLY. Identifiers: Orphanet 474, MedGen C3280598, MONDO:0013717, OMIM 614376.

Allele frequency attached by ClinVar (database versions not stated): gnomAD exomes 0.00007 and 0.00012; ExAC 0.00012; 1000 Genomes Project 30x 0.00016; 1000 Genomes Project 0.00020; gnomAD 0.00058 and 0.00063; TOPMed 0.00062; ESP Exome Variant Server 0.00074.
gnomAD v4.1: 196 of 1,613,848 alleles (0.012%); highest among the groups gnomAD compares: African/African-American, 0.23%; 1 homozygote.

Submissions (5):

Labcorp Genetics (formerly Invitae), Labcorp
Classification: Likely benign for Senior-Loken syndrome 8; Asphyxiating thoracic dystrophy 5. Last evaluated: 2025-10-12. Review status: criteria provided, single submitter. Criteria: Invitae Variant Classification Sherloc (09022015). Collection method: clinical testing. Allele origin: germline.

PreventionGenetics, part of Exact Sciences
Classification: Likely benign for WDR19-related condition. Last evaluated: 2025-09-26. Review status: criteria provided, single submitter. Criteria: ACMG Guidelines, 2015. Collection method: clinical testing. Allele origin: germline.
Comment: This variant is classified as likely benign based on ACMG/AMP sequence variant interpretation guidelines (Richards et al. 2015 PMID: 25741868, with internal and published modifications).

ARUP Laboratories, Molecular Genetics and Genomics, ARUP Laboratories
Classification: Uncertain significance. Last evaluated: 2025-06-20. Review status: criteria provided, single submitter. Criteria: ARUP Molecular Germline Variant Investigation Process 2024. Collection method: clinical testing. Allele origin: germline.
Comment: The WDR19 c.1030C>G; p.His344Asp variant (rs76599296), to our knowledge, is not reported in the medical literature but is reported in ClinVar (Variation ID: 618490). This variant is found in the African/African-American population with an allele frequency of 0.17% (40/24,188 alleles, including 1 homozygote) in the Genome Aggregation Database (v2.1.1). Computational analyses are uncertain whether this variant is neutral or deleterious (REVEL: 0.394). Due to limited information, the clinical significance of this variant is uncertain at this time.

Blueprint Genetics
Classification: Uncertain significance. Last evaluated: 2022-11-16. Review status: criteria provided, single submitter. Criteria: ACMG Guidelines, 2015. Collection method: clinical testing. Allele origin: germline.

Genome Diagnostics Laboratory, The Hospital for Sick Children
Classification: Uncertain significance for Connective tissue disorder. Last evaluated: 2022-02-10. Review status: criteria provided, single submitter. Criteria: ACMG Guidelines, 2015. Collection method: clinical testing. Allele origin: germline.

NM_025132.4(WDR19):c.1030C>G (p.His344Asp)

Gene: WDR19 (WD repeat domain 19; plus strand). Cytogenetic location: 4p14.
Variant type: single nucleotide variant.
Coding change: c.1030C>G on transcript NM_025132.4 (MANE Select); coding-DNA position 1030, C replaced by G.
Protein change: p.His344Asp; replaces histidine 344 with aspartic acid.
Molecular consequence: missense variant.
Genome position (GRCh38, 1-based): chr4:39,215,909, C>G. VCF-style: chr4-39215909-C-G. GRCh37 (hg19) VCF-style: chr4-39217529-C-G.
Other names: c.550C>G, p.His184Asp (NM_001317924.2); short protein forms H344D, H184D.
Identifiers: ClinVar variation 618490 (VCV000618490.26), dbSNP rs76599296, ClinGen allele CA2891764.